The following is an entry in ClinVar:

NM_001130987.2(DYSF):c.2786T>A (p.Ile929Asn)

Gene: DYSF (dysferlin; plus strand). Cytogenetic location: 2p13.2.
Variant type: single nucleotide variant.
Coding change: c.2786T>A on transcript NM_001130987.2 (MANE Select); coding-DNA position 2786, T replaced by A.
Protein change: p.Ile929Asn; replaces isoleucine 929 with asparagine.
Molecular consequence: missense variant.
Genome position (GRCh38, 1-based): chr2:71,568,260, T>A. VCF-style: chr2-71568260-T-A. GRCh37 (hg19) VCF-style: chr2-71795390-T-A.
Other names: c.2732T>A, p.Ile911Asn (NM_003494.4, NM_001130978.2); c.2735T>A, p.Ile912Asn (NM_001130455.2, NM_001130983.2); c.2690T>A, p.Ile897Asn (NM_001130976.2, NM_001130977.2); c.2825T>A, p.Ile942Asn (NM_001130979.2); c.2783T>A, p.Ile928Asn (NM_001130980.2, NM_001130981.2); c.2828T>A, p.Ile943Asn (NM_001130982.2); c.2693T>A, p.Ile898Asn (NM_001130984.2, NM_001130986.2); c.2786T>A, p.Ile929Asn (NM_001130985.2); short protein forms I897N, I898N, I911N, I912N, I928N, I929N, I942N, I943N.
Identifiers: ClinVar variation 1061849 (VCV001061849.10), dbSNP rs766900434, ClinGen allele CA1706284.

ClinVar aggregate classification (germline): Uncertain significance. Review status: criteria provided, single submitter (1 of 4 stars). 2 submissions from 2 submitters: Uncertain significance (1). 1 of the submissions does not count toward it. Last evaluated 2022-07-26.

Conditions:
Neuromuscular disease caused by qualitative or quantitative defects of dysferlin. Also called: Dysferlinopathy; Qualitative or quantitative defects of dysferlin. Identifiers: Orphanet 207073, MedGen C2931687, MONDO:0016145.
Autosomal recessive limb-girdle muscular dystrophy type 2B (LGMDR2). Also called: Limb-Girdle Muscular Dystrophy Type 2B (LGMD2B); Limb-girdle muscular dystrophy, type 2B; MUSCULAR DYSTROPHY, LIMB-GIRDLE, TYPE 3; MUSCULAR DYSTROPHY, LIMB-GIRDLE, AUTOSOMAL RECESSIVE 2. Identifiers: Orphanet 268, MedGen C1850889, MONDO:0009676, OMIM 253601.

Allele frequency attached by ClinVar (database versions not stated): TOPMed below 0.00001; gnomAD exomes 0.00001 and 0.00002; ExAC 0.00002.
gnomAD v4.1: 6 of 1,614,192 alleles (0.00037%); highest among the groups gnomAD compares: Admixed American, 0.0083%; no homozygotes.

Submissions (2):

Labcorp Genetics (formerly Invitae), Labcorp
Classification: Uncertain significance for Neuromuscular disease caused by qualitative or quantitative defects of dysferlin. Last evaluated: 2022-07-26. Review status: criteria provided, single submitter. Criteria: Invitae Variant Classification Sherloc (09022015). Collection method: clinical testing. Allele origin: germline.
Comment: In summary, the available evidence is currently insufficient to determine the role of this variant in disease. Therefore, it has been classified as a Variant of Uncertain Significance. Algorithms developed to predict the effect of missense changes on protein structure and function are either unavailable or do not agree on the potential impact of this missense change (SIFT: "Tolerated"; PolyPhen-2: "Probably Damaging"; Align-GVGD: "Class C0"). ClinVar contains an entry for this variant (Variation ID: 1061849). This variant has not been reported in the literature in individuals affected with DYSF-related conditions. This variant is present in population databases (rs766900434, gnomAD 0.01%). This sequence change replaces isoleucine, which is neutral and non-polar, with asparagine, which is neutral and polar, at codon 911 of the DYSF protein (p.Ile911Asn).

Natera, Inc.
Classification: Uncertain significance for Limb-girdle muscular dystrophy type 2B. Last evaluated: 2021-03-29. Review status: no assertion criteria provided. Collection method: clinical testing. Allele origin: germline. Not counted in ClinVar's aggregate classification.